The following is an entry in ClinVar:

ClinVar aggregate classification (germline): Pathogenic (1 of 4 stars; one submission).

Conditions:
Melnick-Fraser syndrome (BOR). Also called: Branchio-oto-renal syndrome; Branchiootorenal Syndrome (BORS); Branchiootorenal syndrome. Identifiers: Orphanet 107, MedGen C0265234, MONDO:0007029.

Submission:

Labcorp Genetics (formerly Invitae), Labcorp
Classification: Pathogenic for Melnick-Fraser syndrome. Last evaluated: 2017-11-18. Review status: criteria provided, single submitter. Criteria: Invitae Variant Classification Sherloc (09022015). Collection method: clinical testing. Allele origin: germline.
Comment: For these reasons, this variant has been classified as Pathogenic. Loss-of-function variants in EYA1 are known to be pathogenic (PMID: 18220287). This variant has not been reported in the literature in individuals with EYA1-related disease. This variant is not present in population databases (ExAC no frequency). This sequence change creates a premature translational stop signal (p.Ala178Hisfs*63) in the EYA1 gene. It is expected to result in an absent or disrupted protein product.

Literature cited by the submitters: PubMed 18220287.

NM_000503.6(EYA1):c.532del (p.Ala178fs)

Gene: EYA1 (EYA transcriptional coactivator and phosphatase 1; minus strand). Cytogenetic location: 8q13.3.
Variant type: Deletion.
Coding change: c.532del on transcript NM_000503.6 (MANE Select); coding-DNA position 532, one base deleted (G; older notation c.532delG).
Protein change: p.Ala178fs; shifts the reading frame from alanine 178.
Molecular consequence: frameshift variant.
Genome position (GRCh38, 1-based): chr8:71,317,576, C deleted on the plus strand (G on the coding strand, the reverse complement: EYA1 is on the minus strand); the first of 2 consecutive C bases (chr8:71,317,576-71,317,577); deleting either gives the same sequence. VCF-style (leftmost placement, unchanged base first): chr8-71317575-GC-G. GRCh37 (hg19) VCF-style: chr8-72229810-GC-G.
Other names: c.514del, p.Ala172fs (NM_001288574.2); c.166del, p.Ala56fs (NM_001288575.2); c.619del, p.Ala207fs (NM_001370333.1); c.532del, p.Ala178fs (NM_001370334.1, NM_001370335.1, NM_172058.4); c.601del, p.Ala201fs (NM_001370336.1); c.604del, p.Ala202fs (NM_172059.5); short protein forms A178fs, A202fs, A172fs, A201fs, A207fs, A56fs.
Identifiers: ClinVar variation 528877 (VCV000528877.8), dbSNP rs1554548840, ClinGen allele CA658795344.